The following is an entry in ClinVar:

NM_000302.4(PLOD1):c.1165G>A (p.Glu389Lys)

Gene: PLOD1 (procollagen-lysine,2-oxoglutarate 5-dioxygenase 1; plus strand). Cytogenetic location: 1p36.22.
Variant type: single nucleotide variant.
Coding change: c.1165G>A on transcript NM_000302.4 (MANE Select); coding-DNA position 1165, G replaced by A.
Protein change: p.Glu389Lys; replaces glutamic acid 389 with lysine.
Molecular consequence: missense variant.
Genome position (GRCh38, 1-based): chr1:11,963,599, G>A. VCF-style: chr1-11963599-G-A. GRCh37 (hg19) VCF-style: chr1-12023656-G-A.
Other names: c.1306G>A, p.Glu436Lys (NM_001316320.2); short protein forms E389K, E436K.
Identifiers: ClinVar variation 1026385 (VCV001026385.9), dbSNP rs373520363, ClinGen allele CA598304.

ClinVar aggregate classification (germline): Uncertain significance. Review status: criteria provided, multiple submitters, no conflicts (2 of 4 stars). 4 submissions from 4 submitters: Uncertain significance (4). Last evaluated 2026-04-22.

Conditions:
Familial thoracic aortic aneurysm and aortic dissection (TAAD). Also called: Thoracic aortic aneurysms and dissections. Identifiers: Orphanet 91387, MedGen C4707243, MONDO:0019625.
Ehlers-Danlos syndrome, kyphoscoliotic type 1 (EDSKSCL1). Also called: EHLERS-DANLOS SYNDROME, TYPE VIA; Ehlers-Danlos syndrome, hydroxylysine-deficient; EHLERS-DANLOS SYNDROME, OCULAR-SCOLIOTIC TYPE; PLOD1-Related Kyphoscoliotic Ehlers-Danlos Syndrome. Identifiers: Orphanet 1900, MedGen C0268342, MONDO:0016002, OMIM 225400. Disease mechanism: loss of function.

Allele frequency attached by ClinVar (database versions not stated): gnomAD exomes below 0.00001 and 0.00001; gnomAD 0.00001; TOPMed 0.00001; ExAC 0.00002; ESP Exome Variant Server 0.00008.
gnomAD v4.1: 9 of 1,602,354 alleles (0.00056%); highest among the groups gnomAD compares: East Asian, 0.0067%; no homozygotes.

Submissions (4):

Women's Health and Genetics/Laboratory Corporation of America, LabCorp
Classification: Uncertain significance. Last evaluated: 2026-04-22. Review status: criteria provided, single submitter. Criteria: LabCorp Variant Classification Summary - May 2015. Collection method: clinical testing. Allele origin: germline.
Comment: Variant summary: PLOD1 c.1165G>A (p.Glu389Lys) results in a conservative amino acid change in the encoded protein sequence. Algorithms developed to predict the effect of missense changes on protein structure and function are either unavailable or do not agree on the potential impact of this missense change. The variant allele was found at a frequency of 4.4e-06 in 228590 control chromosomes. The available data on variant occurrences in the general population are insufficient to allow any conclusion about variant significance. To our knowledge, no occurrence of c.1165G>A in individuals affected with PLOD1-related conditions and no experimental evidence demonstrating its impact on protein function have been reported. ClinVar contains an entry for this variant (Variation ID: 1026385). Based on the evidence outlined above, the variant was classified as uncertain significance.

Ambry Genetics
Classification: Uncertain significance for Familial thoracic aortic aneurysm and aortic dissection. Last evaluated: 2024-12-05. Review status: criteria provided, single submitter. Criteria: Ambry Variant Classification Scheme 2023. Collection method: clinical testing. Allele origin: germline.
Comment: The p.E389K variant (also known as c.1165G>A), located in coding exon 11 of the PLOD1 gene, results from a G to A substitution at nucleotide position 1165. The glutamic acid at codon 389 is replaced by lysine, an amino acid with similar properties. This amino acid position is conserved. In addition, the in silico prediction for this alteration is inconclusive. Based on the available evidence, the clinical significance of this variant remains unclear.

Labcorp Genetics (formerly Invitae), Labcorp
Classification: Uncertain significance for Ehlers-Danlos syndrome, kyphoscoliotic type 1. Last evaluated: 2022-10-17. Review status: criteria provided, single submitter. Criteria: Invitae Variant Classification Sherloc (09022015). Collection method: clinical testing. Allele origin: germline.
Comment: This sequence change replaces glutamic acid, which is acidic and polar, with lysine, which is basic and polar, at codon 389 of the PLOD1 protein (p.Glu389Lys). The frequency data for this variant in the population databases is considered unreliable, as metrics indicate poor data quality at this position in the gnomAD database. This variant has not been reported in the literature in individuals affected with PLOD1-related conditions. ClinVar contains an entry for this variant (Variation ID: 1026385). Advanced modeling of protein sequence and biophysical properties (such as structural, functional, and spatial information, amino acid conservation, physicochemical variation, residue mobility, and thermodynamic stability) performed at Invitae indicates that this missense variant is not expected to disrupt PLOD1 protein function. In summary, the available evidence is currently insufficient to determine the role of this variant in disease. Therefore, it has been classified as a Variant of Uncertain Significance.

GeneDx
Classification: Uncertain significance. Last evaluated: 2020-10-27. Review status: criteria provided, single submitter. Criteria: GeneDx Variant Classification Process June 2021. Collection method: clinical testing. Allele origin: germline. Affected: yes.
Comment: Not observed at a significant frequency in large population cohorts (Lek et al., 2016); In silico analysis supports that this missense variant does not alter protein structure/function; Has not been previously published as pathogenic or benign to our knowledge